The following is an entry in ClinVar:

ClinVar aggregate classification (germline): Uncertain significance (1 of 4 stars; one submission).

Conditions:
Supravalvar aortic stenosis (SVAS). Also called: Supravalvar aortic stenosis, Eisenberg type. Identifiers: Orphanet 3193, MedGen C0003499, MONDO:0008504, OMIM 185500, HP:0004381.

Submission:

Labcorp Genetics (formerly Invitae), Labcorp
Classification: Uncertain significance for Supravalvar aortic stenosis. Last evaluated: 2024-07-19. Review status: criteria provided, single submitter. Criteria: Invitae Variant Classification Sherloc (09022015). Collection method: clinical testing. Allele origin: germline.
Comment: This variant, c.2018_2020del, results in the deletion of 1 amino acid(s) of the ELN protein (p.Gly673del), but otherwise preserves the integrity of the reading frame. This variant is present in population databases (rs782489098, gnomAD 0.006%). This variant has not been reported in the literature in individuals affected with ELN-related conditions. Experimental studies and prediction algorithms are not available or were not evaluated, and the functional significance of this variant is currently unknown. In summary, the available evidence is currently insufficient to determine the role of this variant in disease. Therefore, it has been classified as a Variant of Uncertain Significance.

NM_000501.4(ELN):c.1832_1834del (p.Gly611del)

Gene: ELN (elastin; plus strand). Cytogenetic location: 7q11.23.
Variant type: Deletion.
Coding change: c.1832_1834del on transcript NM_000501.4 (MANE Select); coding-DNA positions 1832 to 1834, 3 bases deleted (GAG; older notation c.1832_1834delGAG).
Protein change: p.Gly611del; deletes glycine 611.
Genome position (GRCh38, 1-based): chr7:74,063,198-74,063,200, GAG deleted; deleting any 3 consecutive bases within chr7:74,063,197-74,063,200 gives the same sequence; the c. name uses the placement nearest the transcript's 3' end. VCF-style (leftmost placement, unchanged base first): chr7-74063196-TGGA-T. GRCh37 (hg19) VCF-style: chr7-73477526-TGGA-T.
Other names: c.1745_1747del, p.Gly582del (NM_001081752.3); c.1790_1792del, p.Gly597del (NM_001081753.3); c.1847_1849del, p.Gly616del (NM_001081754.3); c.1775_1777del, p.Gly592del (NM_001081755.3); c.1832_1834del, p.Gly611del (NM_001278912.2); c.1589_1591del, p.Gly530del (NM_001278913.2); c.1760_1762del, p.Gly587del (NM_001278914.2); c.1850_1852del, p.Gly617del (NM_001278915.2); and 4 more; short protein forms G530del, G601del, G617del, G522del, G597del, G611del, G587del, G673del.
Identifiers: ClinVar variation 3707956 (VCV003707956.2).